The following is an entry in ClinVar:

ClinVar aggregate classification (germline): Uncertain significance. Review status: criteria provided, multiple submitters, no conflicts (2 of 4 stars). 7 submissions from 6 submitters: Uncertain significance (6). 1 of the submissions does not count toward it. Last evaluated 2026-09-11.

Conditions:
Retinitis pigmentosa 39 (RP39). Identifiers: Orphanet 791, MedGen C3151138, MONDO:0013436, OMIM 613809.
Inborn genetic diseases. Identifiers: MedGen C0950123, MeSH D030342.
Usher syndrome type 2A. Also called: RETINAL DISEASE IN USHER SYNDROME TYPE IIA, MODIFIER OF; USHER SYNDROME, TYPE IIA. Identifiers: Orphanet 231178, Orphanet 886, MedGen C1848634, MONDO:0010169, OMIM 276901.

Allele frequency attached by ClinVar (database versions not stated): ExAC 0.00002; gnomAD exomes 0.00002 and 0.00003; TOPMed 0.00002; gnomAD 0.00005 and 0.00006; ESP Exome Variant Server 0.00008.
gnomAD v4.1: 69 of 1,614,056 alleles (0.0043%); highest among the groups gnomAD compares: Non-Finnish European, 0.0047%; no homozygotes.

Submissions (7):

Ambry Genetics
Classification: Uncertain significance for Inborn genetic diseases. Last evaluated: 2026-09-11. Review status: criteria provided, single submitter. Criteria: Ambry Variant Classification Scheme 2023. Collection method: clinical testing. Allele origin: germline.

CeGaT Center for Human Genetics Tuebingen
Classification: Uncertain significance. Last evaluated: 2026-03-01. Review status: criteria provided, single submitter. Criteria: CeGaT Center For Human Genetics Tuebingen Variant Classification Criteria Version 2. Collection method: clinical testing. Allele origin: germline. Affected: yes. Observed: 1 variant allele.
Comment: USH2A: PM2, BP4

Clinical Genomics Laboratory, Washington University in St. Louis
Classification: Uncertain significance for Retinitis pigmentosa 39; Usher syndrome type 2A. Last evaluated: 2024-07-24. Review status: criteria provided, single submitter. Criteria: ACMG Guidelines, 2015. Collection method: clinical testing. Allele origin: germline.
Comment: A heterozygous USH2A c.14398A>G (p.Asn4800Asp) missense variant was identified. This variant is only observed on 7/282754 alleles in the general population (gnomAD v.2.1.1), indicating it is not a common variant. Computational predictors suggest that the variant does not impact USH2A function. This variant has been reported in the ClinVar database as a germline variant of uncertain significance by 3 submitters (ClinVar Variation ID: 972620). This variant, to our knowledge, has not been reported in the medical literature. Due to limited information, and based on ACMG/AMP guidelines for variant interpretation (Richards S et al., PMID: 25741868), the clinical significance of this variant is uncertain at this time.

Genome-Nilou Lab
Classification: Uncertain significance for Retinitis pigmentosa 39. Last evaluated: 2023-11-04. Review status: criteria provided, single submitter. Criteria: ACMG Guidelines, 2015. Collection method: clinical testing. Allele origin: germline. Affected: no.

Genome-Nilou Lab
Classification: Uncertain significance for Usher syndrome type 2A. Last evaluated: 2023-11-04. Review status: criteria provided, single submitter. Criteria: ACMG Guidelines, 2015. Collection method: clinical testing. Allele origin: germline. Affected: no.

Labcorp Genetics (formerly Invitae), Labcorp
Classification: Uncertain significance. Last evaluated: 2021-08-31. Review status: criteria provided, single submitter. Criteria: Invitae Variant Classification Sherloc (09022015). Collection method: clinical testing. Allele origin: germline.
Comment: This sequence change replaces asparagine with aspartic acid at codon 4800 of the USH2A protein (p.Asn4800Asp). The asparagine residue is weakly conserved and there is a small physicochemical difference between asparagine and aspartic acid. This variant is present in population databases (rs370127889, ExAC 0.004%). This variant has not been reported in the literature in individuals affected with USH2A-related conditions. Algorithms developed to predict the effect of missense changes on protein structure and function are either unavailable or do not agree on the potential impact of this missense change (SIFT: "Deleterious"; PolyPhen-2: "Benign"; Align-GVGD: "Class C0"). In summary, the available evidence is currently insufficient to determine the role of this variant in disease. Therefore, it has been classified as a Variant of Uncertain Significance.

Natera, Inc.
Classification: Uncertain significance for Usher syndrome type 2A. Last evaluated: 2020-10-29. Review status: no assertion criteria provided. Collection method: clinical testing. Allele origin: germline. Not counted in ClinVar's aggregate classification.

NM_206933.4(USH2A):c.14398A>G (p.Asn4800Asp)

Gene: USH2A (usherin; minus strand). Cytogenetic location: 1q41.
Variant type: single nucleotide variant.
Coding change: c.14398A>G on transcript NM_206933.4 (MANE Select); coding-DNA position 14398, A replaced by G.
Protein change: p.Asn4800Asp; replaces asparagine 4800 with aspartic acid.
Molecular consequence: missense variant.
Genome position (GRCh38, 1-based): chr1:215,648,712, T>C on the plus strand (A>G on the coding strand, the complement: USH2A is on the minus strand). VCF-style: chr1-215648712-T-C. GRCh37 (hg19) VCF-style: chr1-215822054-T-C.
Other names: short protein forms N4800D.
Identifiers: ClinVar variation 972620 (VCV000972620.12), dbSNP rs370127889, ClinGen allele CA1393025.
Genomic context (GRCh38, chr1:215,648,712, plus strand): 5'-CTGTCGGTCCTTTGCTGCAACAGTTGAAGCAGGTGCAGGCCTCTACTCCAATAGAGTAGT[T>C]AGTGAAGGCTTGAAGGCCATGGAGAGTCTGCTGGGTGGCCATGCCTTCGGATAGCTGTGG-3'
Protein context (NP_996816.3, residues 4790-4810): QTLHGLQAFT[Asn4800Asp]YSIGVEACTC